The following is an entry in ClinVar:

NM_000169.3(GLA):c.1239T>C (p.Val413=)

Genes: RPL36A-HNRNPH2 (RPL36A-HNRNPH2 readthrough; plus strand), GLA (galactosidase alpha; minus strand). Cytogenetic location: Xq22.1.
Variant type: single nucleotide variant.
Coding change: c.1239T>C on transcript NM_000169.3 (MANE Select); coding-DNA position 1239, T replaced by C.
Protein change: p.Val413=; no amino-acid change (valine 413 retained).
Molecular consequence: synonymous variant. On other transcripts: non-coding transcript variant (3), intron variant (2).
Genome position (GRCh38, 1-based): chrX:101,397,860, A>G on the plus strand (T>C on the coding strand, the complement: GLA is on the minus strand). VCF-style: chrX-101397860-A-G. GRCh37 (hg19) VCF-style: chrX-100652848-A-G.
Other names: c.1362T>C, p.Val454= (NM_001406747.1); c.300+2403A>G (NM_001199973.2); c.177+6038A>G (NM_001199974.2).
Identifiers: ClinVar variation 2136909 (VCV002136909.7), dbSNP rs782058162, ClinGen allele CA029813.

ClinVar aggregate classification (germline): Likely benign. Review status: criteria provided, multiple submitters, no conflicts (2 of 4 stars). 3 submissions from 3 submitters: Likely benign (3). Last evaluated 2026-09-08.

Conditions:
Fabry disease. Also called: Fabry's disease; GLA DEFICIENCY; HEREDITARY DYSTOPIC LIPIDOSIS; ANDERSON-FABRY DISEASE; CERAMIDE TRIHEXOSIDASE DEFICIENCY; Ceramide trihexosidosis. Identifiers: Orphanet 324, MedGen C0002986, MONDO:0010526, OMIM 301500, HP:0001071. Disease mechanism: loss of function, Fabry disease is due to inactivating mutations in the X-linked GLA gene resulting in deficiency of the enzyme Alpha Galactosidase-A..

Allele frequency attached by ClinVar (database versions not stated): gnomAD exomes below 0.00001; ExAC 0.00002.
gnomAD v4.1: 1 of 1,207,807 alleles (0.000083%); highest among the groups gnomAD compares: Admixed American, 0.0022%; no homozygotes.

Submissions (3):

Genomenon, Inc
Classification: Likely benign for Fabry disease. Last evaluated: 2026-09-08. Review status: criteria provided, single submitter. Criteria: Genomenon Sequence Variant Interpretation Standards - Updated. Collection method: curation. Allele origin: germline. Affected: no.
Comment: GLA c.1239T>C is a synonymous variant that retains Valine at codon 413. This variant has been reported in the published literature (PMID:32234567). It is absent or not present at a significant frequency in gnomAD. This variant is not predicted to impact splicing. In conclusion, we classify GLA p.Val413= (c.1239T>C) as a likely benign variant.

All of Us Research Program, National Institutes of Health
Classification: Likely benign for Fabry disease. Last evaluated: 2024-03-24. Review status: criteria provided, single submitter. Criteria: ACMG Guidelines, 2015. Collection method: clinical testing. Allele origin: germline. Inheritance: X-linked inheritance. Observed: 1 variant allele, 1 heterozygote.
Comment: This study involves interpretation of variants in research participants for the purpose of population health screening. Participant phenotype was not available at the time of variant classification. Additional details can be found in publication PMID: 35346344, PMCID: PMC8962531

Labcorp Genetics (formerly Invitae), Labcorp
Classification: Likely benign for Fabry disease. Last evaluated: 2022-07-27. Review status: criteria provided, single submitter. Criteria: Invitae Variant Classification Sherloc (09022015). Collection method: clinical testing. Allele origin: germline.

Literature cited by the submitters: PubMed 32234567 (cited by Genomenon, Inc).